The following is an entry in ClinVar:

ClinVar aggregate classification (germline): Pathogenic (1 of 4 stars; one submission).

Conditions:
Cohen syndrome (COH1). Also called: Cutis verticis gyrata, retinitis pigmentosa, and sensorineural deafness; PEPPER SYNDROME. Identifiers: Orphanet 193, MedGen C0265223, MONDO:0008999, OMIM 216550.

Submission:

Labcorp Genetics (formerly Invitae), Labcorp
Classification: Pathogenic for Cohen syndrome. Last evaluated: 2022-06-07. Review status: criteria provided, single submitter. Criteria: Invitae Variant Classification Sherloc (09022015). Collection method: clinical testing. Allele origin: germline.
Comment: This variant is a gross deletion of the genomic region encompassing exon(s) 46-50 of the VPS13B gene. This variant would be expected to be in-frame, preserving the integrity of the reading frame. A similar copy number variant has been observed in individual(s) with Cohen syndrome (PMID: 20461111). In at least one individual the data is consistent with being in trans (on the opposite chromosome) from a pathogenic variant. It has also been observed to segregate with disease in related individuals. For these reasons, this variant has been classified as Pathogenic.

Literature cited by the submitters: PubMed 20461111.

NC_000008.10:g.(?_100830669)_(100833720_?)del

Gene: VPS13B (vacuolar protein sorting 13 homolog B; plus strand). Cytogenetic location: 8q22.2.
Variant type: Deletion.
Identifiers: ClinVar variation 2426396 (VCV002426396.3).